The following is an entry in ClinVar:

NM_001481.3(DRC4):c.270G>C (p.Arg90Ser)

Gene: DRC4 (dynein regulatory complex subunit 4; plus strand). Cytogenetic location: 16q24.3.
Variant type: single nucleotide variant.
Coding change: c.270G>C on transcript NM_001481.3 (MANE Select); coding-DNA position 270, G replaced by C.
Protein change: p.Arg90Ser; replaces arginine 90 with serine.
Molecular consequence: missense variant. On other transcripts: 5 prime UTR variant (1).
Genome position (GRCh38, 1-based): chr16:90,031,478, G>C. VCF-style: chr16-90031478-G-C. GRCh37 (hg19) VCF-style: chr16-90097886-G-C.
Other names: c.21G>C, p.Arg7Ser (NM_001286205.2); c.-252G>C (NM_001286208.2); c.195G>C, p.Arg65Ser (NM_001286209.2); short protein forms R65S, R90S, R7S.
Identifiers: ClinVar variation 2186234 (VCV002186234.4), dbSNP rs2543467062, ClinGen allele CA397461204.
Genomic context (GRCh38, chr16:90,031,478, plus strand): 5'-GGAGGAGAAGAAGGCTGAGCTGCGGAACAAAGACCGGGAGATGGAAGAAGCCGAGGAGAG[G>C]CACCAGGTGGAGATCAAGGTGAGTGGGGCCGGCCTGCACGTGCTAACCTGGTCACCACAG-3'
Protein context (NP_001472.1, residues 80-100): KDREMEEAEE[Arg90Ser]HQVEIKVYKQ

ClinVar aggregate classification (germline): Uncertain significance (1 of 4 stars; one submission).

Conditions:
Primary ciliary dyskinesia 33. Also called: CILIARY DYSKINESIA, PRIMARY, 33, WITHOUT SITUS INVERSUS. Identifiers: Orphanet 244, MedGen C4225230, MONDO:0014750, OMIM 616726.

Submission:

Labcorp Genetics (formerly Invitae), Labcorp
Classification: Uncertain significance for Primary ciliary dyskinesia 33. Last evaluated: 2022-06-24. Review status: criteria provided, single submitter. Criteria: Invitae Variant Classification Sherloc (09022015). Collection method: clinical testing. Allele origin: germline.
Comment: In summary, the available evidence is currently insufficient to determine the role of this variant in disease. Therefore, it has been classified as a Variant of Uncertain Significance. Algorithms developed to predict the effect of missense changes on protein structure and function (SIFT, PolyPhen-2, Align-GVGD) all suggest that this variant is likely to be tolerated. This variant has not been reported in the literature in individuals affected with GAS8-related conditions. This variant is not present in population databases (gnomAD no frequency). This sequence change replaces arginine, which is basic and polar, with serine, which is neutral and polar, at codon 90 of the GAS8 protein (p.Arg90Ser).